The following is an entry in ClinVar:

NM_001242896.3(DEPDC5):c.1421G>A (p.Arg474Gln)

Gene: DEPDC5 (DEP domain containing 5, GATOR1 subcomplex subunit; plus strand). Cytogenetic location: 22q12.3.
Variant type: single nucleotide variant.
Coding change: c.1421G>A on transcript NM_001242896.3 (MANE Select); coding-DNA position 1421, G replaced by A.
Protein change: p.Arg474Gln; replaces arginine 474 with glutamine.
Molecular consequence: missense variant. On other transcripts: non-coding transcript variant (5).
Genome position (GRCh38, 1-based): chr22:31,810,617, G>A. VCF-style: chr22-31810617-G-A. GRCh37 (hg19) VCF-style: chr22-32206603-G-A.
Other names: c.1421G>A, p.Arg474Gln (NM_001007188.4, NM_001136029.4, NM_001242897.2 and 7 more transcripts); c.1337G>A, p.Arg446Gln (NM_001369901.1, NM_001369902.1); short protein forms R446Q, R474Q.
Identifiers: ClinVar variation 1401635 (VCV001401635.11), dbSNP rs1349979537, ClinGen allele CA411276992.

ClinVar aggregate classification (germline): Uncertain significance. Review status: criteria provided, multiple submitters, no conflicts (2 of 4 stars). 2 submissions from 2 submitters: Uncertain significance (2). Last evaluated 2022-09-23.

Conditions:
Developmental and epileptic encephalopathy 111 (DEE111). Identifiers: MedGen C5882690, MONDO:0957780, OMIM 620504.
Epilepsy, familial focal, with variable foci 1 (FFEVF1). Also called: DEPDC5-Related Epilepsy. Identifiers: MedGen C4551983, MONDO:0024556, OMIM 604364.
Familial focal epilepsy with variable foci (FPEVF). Identifiers: Orphanet 98820, MedGen C1858477, MONDO:0020310.

Allele frequency attached by ClinVar (database versions not stated): gnomAD 0.00001; TOPMed 0.00001.
gnomAD v4.1: 6 of 1,613,980 alleles (0.00037%); highest among the groups gnomAD compares: Non-Finnish European, 0.00051%; no homozygotes.

Submissions (2):

Labcorp Genetics (formerly Invitae), Labcorp
Classification: Uncertain significance for Familial focal epilepsy with variable foci. Last evaluated: 2022-09-23. Review status: criteria provided, single submitter. Criteria: Invitae Variant Classification Sherloc (09022015). Collection method: clinical testing. Allele origin: germline.
Comment: This sequence change replaces arginine, which is basic and polar, with glutamine, which is neutral and polar, at codon 474 of the DEPDC5 protein (p.Arg474Gln). This variant is present in population databases (no rsID available, gnomAD 0.0009%). This variant has not been reported in the literature in individuals affected with DEPDC5-related conditions. ClinVar contains an entry for this variant (Variation ID: 1401635). Algorithms developed to predict the effect of missense changes on protein structure and function are either unavailable or do not agree on the potential impact of this missense change (SIFT: "Tolerated"; PolyPhen-2: "Not Available"; Align-GVGD: "Class C0"). Algorithms developed to predict the effect of sequence changes on RNA splicing suggest that this variant may create or strengthen a splice site. In summary, the available evidence is currently insufficient to determine the role of this variant in disease. Therefore, it has been classified as a Variant of Uncertain Significance.

Juno Genomics, Hangzhou Juno Genomics, Inc
Classification: Uncertain significance for Developmental and epileptic encephalopathy 111; Epilepsy, familial focal, with variable foci 1. Review status: criteria provided, single submitter. Criteria: ACMG Guidelines, 2015. Collection method: clinical testing. Allele origin: germline.
Comment: Absent from controls (or at extremely low frequency if recessive) in Genome Aggregation Database.;Multiple lines of computational evidence suggest no impact on gene or gene product.